The following is an entry in ClinVar:

ClinVar aggregate classification (germline): Uncertain significance (1 of 4 stars; one submission).

Conditions:
Multiple gastrointestinal atresias. Also called: FAMILIAL INTESTINAL POLYATRESIA SYNDROME; Multiple intestinal atresia. Identifiers: Orphanet 2300, MedGen C0220744, MONDO:0009465.

Submission:

Labcorp Genetics (formerly Invitae), Labcorp
Classification: Uncertain significance for Multiple gastrointestinal atresias. Last evaluated: 2023-08-11. Review status: criteria provided, single submitter. Criteria: Invitae Variant Classification Sherloc (09022015). Collection method: clinical testing. Allele origin: germline.
Comment: In summary, the available evidence is currently insufficient to determine the role of this variant in disease. Therefore, it has been classified as a Variant of Uncertain Significance. Advanced modeling of protein sequence and biophysical properties (such as structural, functional, and spatial information, amino acid conservation, physicochemical variation, residue mobility, and thermodynamic stability) performed at Invitae indicates that this missense variant is not expected to disrupt TTC7A protein function. This variant has not been reported in the literature in individuals affected with TTC7A-related conditions. This variant is not present in population databases (gnomAD no frequency). This sequence change replaces serine, which is neutral and polar, with leucine, which is neutral and non-polar, at codon 746 of the TTC7A protein (p.Ser746Leu).

NM_020458.4(TTC7A):c.2237C>T (p.Ser746Leu)

Gene: TTC7A (tetratricopeptide repeat domain 7A; plus strand). Cytogenetic location: 2p21.
Variant type: single nucleotide variant.
Coding change: c.2237C>T on transcript NM_020458.4 (MANE Select); coding-DNA position 2237, C replaced by T.
Protein change: p.Ser746Leu; replaces serine 746 with leucine.
Molecular consequence: missense variant.
Genome position (GRCh38, 1-based): chr2:47,060,853, C>T. VCF-style: chr2-47060853-C-T. GRCh37 (hg19) VCF-style: chr2-47287992-C-T.
Other names: c.2309C>T, p.Ser770Leu (NM_001288951.2); c.2135C>T, p.Ser712Leu (NM_001288953.2); c.1175C>T, p.Ser392Leu (NM_001288955.2); short protein forms S770L, S746L, S392L, S712L.
Identifiers: ClinVar variation 2790512 (VCV002790512.3), dbSNP rs2465432107, ClinGen allele CA346714858.